The following is an entry in ClinVar:

NM_020975.6(RET):c.2197G>A (p.Gly733Ser)

Gene: RET (ret proto-oncogene; plus strand). Cytogenetic location: 10q11.21.
Variant type: single nucleotide variant.
Coding change: c.2197G>A on transcript NM_020975.6 (MANE Select); coding-DNA position 2197, G replaced by A.
Protein change: p.Gly733Ser; replaces glycine 733 with serine.
Molecular consequence: missense variant.
Genome position (GRCh38, 1-based): chr10:43,116,644, G>A. VCF-style: chr10-43116644-G-A. GRCh37 (hg19) VCF-style: chr10-43612092-G-A.
Other names: c.1435G>A, p.Gly479Ser (NM_001355216.2); c.2197G>A, p.Gly733Ser (NM_001406743.1, NM_001406744.1, NM_001406759.1 and 2 more transcripts); c.2068G>A, p.Gly690Ser (NM_001406761.1, NM_001406762.1, NM_001406764.1); c.2062G>A, p.Gly688Ser (NM_001406763.1, NM_001406765.1); c.1909G>A, p.Gly637Ser (NM_001406766.1, NM_001406767.1, NM_001406770.1); c.1933G>A, p.Gly645Ser (NM_001406768.1); c.1801G>A, p.Gly601Ser (NM_001406769.1, NM_001406772.1); c.1759G>A, p.Gly587Ser (NM_001406771.1, NM_001406773.1); and 10 more; short protein forms G338S, G434S, G250S, G394S, G479S, G558S, G587S, G733S.
Identifiers: ClinVar variation 3432307 (VCV003432307.2).

ClinVar aggregate classification (germline): Uncertain significance. Review status: criteria provided, multiple submitters, no conflicts (2 of 4 stars). 2 submissions from 2 submitters: Uncertain significance (2). Last evaluated 2025-08-30.

Conditions:
Multiple endocrine neoplasia, type 2 (MEN2). Identifiers: Orphanet 653, MedGen C4048306, MONDO:0019003. Disease mechanism: gain of function.
Hereditary cancer-predisposing syndrome. Also called: Neoplastic Syndromes, Hereditary; Tumor predisposition; Hereditary Cancer Syndrome; Hereditary neoplastic syndrome. Identifiers: Orphanet 140162, MedGen C0027672, MeSH D009386, MONDO:0015356.

Submissions (2):

Color Diagnostics, LLC DBA Color Health
Classification: Uncertain significance for Multiple endocrine neoplasia, type 2. Last evaluated: 2025-08-30. Review status: criteria provided, single submitter. Criteria: ACMG Guidelines, 2015. Collection method: clinical testing. Allele origin: germline.
Comment: This missense variant replaces glycine with serine at codon 733 of the RET protein. Computational prediction suggests that this variant may have deleterious impact on protein structure and function. To our knowledge, functional studies have not been reported for this variant. This variant has not been reported in individuals affected with RET-related disorders in the literature. This variant has not been identified in the general population by the Genome Aggregation Database (gnomAD). The available evidence is insufficient to determine the role of this variant in disease conclusively. Therefore, this variant is classified as a Variant of Uncertain Significance.

Ambry Genetics
Classification: Uncertain significance for Hereditary cancer-predisposing syndrome. Last evaluated: 2024-12-08. Review status: criteria provided, single submitter. Criteria: Ambry Variant Classification Scheme 2023. Collection method: clinical testing. Allele origin: germline.
Comment: The p.G733S variant (also known as c.2197G>A), located in coding exon 12 of the RET gene, results from a G to A substitution at nucleotide position 2197. The glycine at codon 733 is replaced by serine, an amino acid with similar properties. This amino acid position is conserved. In addition, this alteration is predicted to be deleterious by in silico analysis. Based on the available evidence, the clinical significance of this variant remains unclear.